The following is an entry in ClinVar:

ClinVar aggregate classification (germline): Likely pathogenic. Review status: criteria provided, multiple submitters, no conflicts (2 of 4 stars). 3 submissions from 3 submitters: Likely pathogenic (3). Last evaluated 2026-03-04.

Conditions:
F7-related disorder. Also called: F7-related condition.
Congenital factor VII deficiency. Identifiers: Orphanet 327, MedGen C0272320, MONDO:0009211, OMIM 227500.

Allele frequency attached by ClinVar (database versions not stated): gnomAD 0.00001; gnomAD exomes 0.00001 and 0.00002; ExAC 0.00003; 1000 Genomes Project 30x 0.00016; 1000 Genomes Project 0.00020.
gnomAD v4.1: 13 of 1,612,996 alleles (0.00081%); highest among the groups gnomAD compares: Middle Eastern, 0.016%; no homozygotes.

Submissions (3):

PreventionGenetics, part of Exact Sciences
Classification: Likely pathogenic for F7-related condition. Last evaluated: 2026-03-04. Review status: criteria provided, single submitter. Criteria: ACMG Guidelines, 2015. Collection method: clinical testing. Allele origin: germline.
Comment: The F7 c.466G>A variant is predicted to result in the amino acid substitution p.Gly156Ser. This variant is alternatively referred to as p.Gly96Ser using legacy nomenclature. It has been reported in the heterozygous and homozygous states as well as with a second F7 variant in multiple individuals with Factor VII deficiency (FVII), with clinical severity varying with zygosity (see, for example, Giansily-Blaizot et al. 2001. PubMed ID: 11313743; Ravanbod et al. 2022. PubMed ID: 36760778; Herrmann et al. 2009. PubMed ID: 18976247). In at least one family, segregation was shown with FVII deficiency (Wang et al. 2024. PubMed ID: 38926980). Heterozygous carriers demonstrate decreased Factor VII activity to 44% of normal range (Woo et al. 2012. PubMed ID: 22576285), whereas homozygous carriers demonstrate severely reduced Factor VII activity to less than 4-5% (Woo et al. 2012. PubMed ID: 22576285; Ravanbod et al. 2022. PubMed ID: 36760778). This variant is reported in 0.0098% of alleles in individuals of South Asian descent in gnomAD. An alternate missense change at the same amino acid position (p.Gly156Cys) has been reported in the homozygous state in an individual with FVII deficiency (Zhang et al. 2021. PubMed ID: 34342048). The p.Gly156Ser variant is interpreted as likely pathogenic.

GeneDx
Classification: Likely pathogenic. Last evaluated: 2024-12-09. Review status: criteria provided, single submitter. Criteria: GeneDx Variant Classification Process June 2021. Collection method: clinical testing. Allele origin: germline. Affected: yes.
Comment: In silico analysis supports that this missense variant has a deleterious effect on protein structure/function; Also known as G72S and G96S; This variant is associated with the following publications: (PMID: 22576285, 34426522, 34272389, 38926980, 38202056, 36229963, 36760778, 18976247, 11313743)

ISTH-SSC Genomics in Thrombosis and Hemostasis, KU Leuven, Center for Molecular and Vascular Biology
Classification: Likely pathogenic for Congenital factor VII deficiency. Review status: criteria provided, single submitter. Criteria: ACMG Guidelines, 2015. Collection method: clinical testing. Allele origin: unknown. Affected: yes. Observed: 2 heterozygotes.
Comment: GoldVariant submitter: Bilal Jradeh, Katharine Dormandy Haemophilia and Thrombosis Centre, Royal Free Hospital, London, UK and Dr Karyn Mégy, NIHR Bioresource - Cambridge University, UK

Literature cited by the submitters: PubMed 34355501 (cited by ISTH-SSC Genomics in Thrombosis and Hemostasis, KU Leuven, Center for Molecular and Vascular Biology).

NM_019616.4(F7):c.400G>A (p.Gly134Ser)

Gene: F7 (coagulation factor VII; plus strand). Cytogenetic location: 13q34.
Variant type: single nucleotide variant.
Coding change: c.400G>A on transcript NM_019616.4 (MANE Select); coding-DNA position 400, G replaced by A.
Protein change: p.Gly134Ser; replaces glycine 134 with serine.
Molecular consequence: missense variant. On other transcripts: non-coding transcript variant (1).
Genome position (GRCh38, 1-based): chr13:113,115,695, G>A. VCF-style: chr13-113115695-G-A. GRCh37 (hg19) VCF-style: chr13-113770009-G-A.
Other names: c.466G>A, p.Gly156Ser (NM_000131.5); c.214G>A, p.Gly72Ser (NM_001267554.2); short protein forms G134S, G156S, G72S.
Identifiers: ClinVar variation 1315977 (VCV001315977.5), dbSNP rs563972504, ClinGen allele CA7059957.
Genomic context (GRCh38, chr13:113,115,695, plus strand): 5'-CAGGGTGTCCCCTTCCTGTCCCCAGACAAGGATGACCAGCTGATCTGTGTGAACGAGAAC[G>A]GCGGCTGTGAGCAGTACTGCAGTGACCACACGGGCACCAAGCGCTCCTGTCGGTGCCACG-3'
Protein context (NP_062562.1, residues 124-144): DDQLICVNEN[Gly134Ser]GCEQYCSDHT